The following is an entry in ClinVar:

NM_000135.4(FANCA):c.869C>A (p.Ser290Tyr)

Gene: FANCA (FA complementation group A; minus strand). Cytogenetic location: 16q24.3.
Variant type: single nucleotide variant.
Coding change: c.869C>A on transcript NM_000135.4 (MANE Select); coding-DNA position 869, C replaced by A.
Protein change: p.Ser290Tyr; replaces serine 290 with tyrosine.
Molecular consequence: missense variant.
Genome position (GRCh38, 1-based): chr16:89,799,190, G>T on the plus strand (C>A on the coding strand, the complement: FANCA is on the minus strand). VCF-style: chr16-89799190-G-T. GRCh37 (hg19) VCF-style: chr16-89865598-G-T.
Other names: p.Ser290Tyr; c.869C>A, p.Ser290Tyr (NM_001018112.3, NM_001286167.3); c.773C>A, p.Ser258Tyr (NM_001351830.2); c.869C>A (NM_000135.3, LRG_495t1); short protein forms S290Y, S258Y.
Identifiers: ClinVar variation 237058 (VCV000237058.17), dbSNP rs185984960, ClinGen allele CA8252715.

ClinVar aggregate classification (germline): Conflicting classifications of pathogenicity. Review status: criteria provided, conflicting classifications (1 of 4 stars). 7 submissions from 7 submitters: Uncertain significance (4); Likely benign (2). 1 of the submissions does not count toward it. Last evaluated 2026-07-01.

Conditions:
Inborn genetic diseases. Identifiers: MedGen C0950123, MeSH D030342.
Fanconi anemia (FA). Also called: Fanconi's anemia. Identifiers: Orphanet 84, MedGen C0015625, MeSH D005199, MONDO:0019391.
Fanconi anemia complementation group A (FANCA). Also called: FANCA-Related Fanconi Anemia; Fanconi anemia, group A. Identifiers: Orphanet 84, MedGen C3469521, MONDO:0009215, OMIM 227650.

Allele frequency attached by ClinVar (database versions not stated): TOPMed 0.00003; ESP Exome Variant Server 0.00008; gnomAD 0.00008; 1000 Genomes Project 0.00020; 1000 Genomes Project 30x 0.00031.
gnomAD v4.1: 102 of 1,614,156 alleles (0.0063%); highest among the groups gnomAD compares: Non-Finnish European, 0.0081%; no homozygotes.

Submissions (7):

CeGaT Center for Human Genetics Tuebingen
Classification: Likely benign. Last evaluated: 2026-07-01. Review status: criteria provided, single submitter. Criteria: CeGaT Center For Human Genetics Tuebingen Variant Classification Criteria Version 2. Collection method: clinical testing. Allele origin: germline. Affected: yes. Observed: 1 variant allele.
Comment: FANCA: BP4

Labcorp Genetics (formerly Invitae), Labcorp
Classification: Likely benign for Fanconi anemia. Last evaluated: 2026-01-06. Review status: criteria provided, single submitter. Criteria: Invitae Variant Classification Sherloc (09022015). Collection method: clinical testing. Allele origin: germline.

Quest Diagnostics Nichols Institute San Juan Capistrano
Classification: Uncertain significance. Last evaluated: 2025-10-14. Review status: criteria provided, single submitter. Criteria: Quest Diagnostics criteria. Collection method: clinical testing. Allele origin: unknown.
Comment: The FANCA c.869C>A (p.Ser290Tyr) variant has been reported in the published literature in women affected with ovarian cancer (PMID: 32546565 (2021)). The frequency of this variant in the general population (Genome Aggregation Database) is uninformative in the assessment of its pathogenicity. Analysis of this variant using bioinformatics tools for the prediction of the effect of amino acid changes on protein structure and function yielded conflicting predictions that this variant is benign or damaging. Based on the available information, we are unable to determine the clinical significance of this variant.

Ambry Genetics
Classification: Uncertain significance for Inborn genetic diseases. Last evaluated: 2024-12-20. Review status: criteria provided, single submitter. Criteria: Ambry Variant Classification Scheme 2023. Collection method: clinical testing. Allele origin: germline.
Comment: The p.S290Y variant (also known as c.869C>A), located in coding exon 10 of the FANCA gene, results from a C to A substitution at nucleotide position 869. The serine at codon 290 is replaced by tyrosine, an amino acid with dissimilar properties. This amino acid position is conserved. In addition, this alteration is predicted to be tolerated by in silico analysis. Based on the available evidence, the clinical significance of this variant remains unclear.

Fulgent Genetics
Classification: Uncertain significance for Fanconi anemia complementation group A. Last evaluated: 2021-12-29. Review status: criteria provided, single submitter. Criteria: ACMG Guidelines, 2015. Collection method: clinical testing. Allele origin: unknown.

Mayo Clinic Laboratories, Mayo Clinic
Classification: Uncertain significance. Last evaluated: 2021-05-14. Review status: criteria provided, single submitter. Criteria: ACMG Guidelines, 2015. Collection method: clinical testing. Allele origin: germline.

Natera, Inc.
Classification: Uncertain significance for Fanconi anemia, group A. Last evaluated: 2020-09-16. Review status: no assertion criteria provided. Collection method: clinical testing. Allele origin: germline. Not counted in ClinVar's aggregate classification.

Literature cited by the submitters: PubMed 32546565 (cited by Quest Diagnostics Nichols Institute San Juan Capistrano).